The following is an entry in ClinVar:

NM_006208.3(ENPP1):c.557-10A>G

Gene: ENPP1 (ectonucleotide pyrophosphatase/phosphodiesterase 1; plus strand). Cytogenetic location: 6q23.2.
Variant type: single nucleotide variant.
Coding change: c.557-10A>G on transcript NM_006208.3 (MANE Select); 10 bases into the intron before coding-DNA position 557, A replaced by G.
Molecular consequence: intron variant.
Genome position (GRCh38, 1-based): chr6:131,852,165, A>G. VCF-style: chr6-131852165-A-G. GRCh37 (hg19) VCF-style: chr6-132173305-A-G.
Identifiers: ClinVar variation 4750232 (VCV004750232.1).
Genomic context (GRCh38, chr6:131,852,165, plus strand): 5'-GTGTCTCACAAGCATCACAATTATTATTACTGTTAAGTGTGTTCATTTTATTTTCTTGAA[A>G]ATATTTTAGGTGAGAAAAGTTGGGTAGAAGAACCATGTGAGAGCATTAATGAGCCACAGT-3'

ClinVar aggregate classification (germline): Uncertain significance (1 of 4 stars; one submission).

gnomAD v4.1: 10 of 1,572,554 alleles (0.00064%); highest among the groups gnomAD compares: Non-Finnish European, 0.00087%; no homozygotes.

Submission:

Labcorp Genetics (formerly Invitae), Labcorp
Classification: Uncertain significance. Last evaluated: 2025-06-30. Review status: criteria provided, single submitter. Criteria: Invitae Variant Classification Sherloc (09022015). Collection method: clinical testing. Allele origin: germline.
Comment: This sequence change falls in intron 4 of the ENPP1 gene. It does not directly change the encoded amino acid sequence of the ENPP1 protein. This variant is not present in population databases (gnomAD no frequency). This variant has not been reported in the literature in individuals affected with ENPP1-related conditions. Algorithms developed to predict the effect of sequence changes on RNA splicing suggest that this variant may disrupt the consensus splice site. In summary, the available evidence is currently insufficient to determine the role of this variant in disease. Therefore, it has been classified as a Variant of Uncertain Significance.